The following is an entry in ClinVar:

NM_000111.3(SLC26A3):c.2024_2026dup (p.Ile675dup)

Gene: SLC26A3 (solute carrier family 26 member 3; minus strand). Cytogenetic location: 7q22.3.
Variant type: Duplication.
Coding change: c.2024_2026dup on transcript NM_000111.3 (MANE Select); coding-DNA positions 2024 to 2026, 3 bases duplicated (TCA; older notation c.2024_2026dupTCA).
Protein change: p.Ile675dup; duplicates isoleucine 675.
Molecular consequence: inframe insertion.
Genome position (GRCh38, 1-based): chr7:107,772,090-107,772,092, TGA duplicated on the plus strand (TCA on the coding strand, the reverse complement: SLC26A3 is on the minus strand); duplicating any 3 consecutive bases within chr7:107,772,090-107,772,093 gives the same sequence; the c. name uses the placement nearest the transcript's 3' end. VCF-style (leftmost placement, unchanged base first): chr7-107772089-C-CTGA. GRCh37 (hg19) VCF-style: chr7-107412534-C-CTGA.
Other names: c.2024_2026dupTCA (NM_000111.2).
Identifiers: ClinVar variation 55988 (VCV000055988.21), dbSNP rs121913031, ClinGen allele CA144078.

ClinVar aggregate classification (germline): Pathogenic/Likely pathogenic. Review status: criteria provided, multiple submitters, no conflicts (2 of 4 stars). 10 submissions from 10 submitters: Pathogenic (7); Likely pathogenic (1). 2 of the submissions do not count toward it. Last evaluated 2026-01-01.

Conditions:
SLC26A3-related disorder. Also called: SLC26A3-related condition.
Congenital secretory diarrhea, chloride type (DIAR1). Also called: DIARRHEA 1, SECRETORY CHLORIDE, CONGENITAL; CHLORIDORRHEA, CONGENITAL; CHLORIDE DIARRHEA, CONGENITAL, FINNISH TYPE. Identifiers: Orphanet 53689, MedGen C0267662, MONDO:0008964, OMIM 214700.

Submissions (10):

CeGaT Center for Human Genetics Tuebingen
Classification: Pathogenic. Last evaluated: 2026-01-01. Review status: criteria provided, single submitter. Criteria: CeGaT Center For Human Genetics Tuebingen Variant Classification Criteria Version 2. Collection method: clinical testing. Allele origin: germline. Affected: yes. Observed: 1 variant allele.
Comment: SLC26A3: PM3:Very Strong, PM2, PM4:Supporting

Labcorp Genetics (formerly Invitae), Labcorp
Classification: Pathogenic. Last evaluated: 2025-12-01. Review status: criteria provided, single submitter. Criteria: Invitae Variant Classification Sherloc (09022015). Collection method: clinical testing. Allele origin: germline.
Comment: This variant, c.2024_2026dup, results in the insertion of 1 amino acid(s) of the SLC26A3 protein (p.Ile675dup), but otherwise preserves the integrity of the reading frame. This variant is present in population databases (rs386833470, gnomAD 0.01%). This variant has been observed in individuals with congenital chloride diarrhea (PMID: 9718329, 18216024, 21332001, 28644346). This variant is also known as I675/6ins, c.2025_2026insATC, and I668–669ins. ClinVar contains an entry for this variant (Variation ID: 55988). Algorithms developed to predict the effect of variants on gene product structure and function are not available or were not evaluated for this variant. Experimental studies have shown that this variant affects SLC26A3 function (PMID: 12411484, 18216024). For these reasons, this variant has been classified as Pathogenic.

3billion
Classification: Likely pathogenic for Congenital secretory diarrhea, chloride type. Last evaluated: 2025-11-13. Review status: criteria provided, single submitter. Criteria: ACMG Guidelines, 2015. Collection method: clinical testing. Allele origin: germline. Affected: yes.
Comment: The variant is observed at an extremely low frequency in the gnomAD v4.1.0 dataset (total allele frequency: 0.004%). Predicted Consequence/Location: Inframe insertion located in a nonrepeat region: predicted to change the length of the protein and disrupt normal protein function. The variant has been reported at least twice as pathogenic with clinical assertions and evidence for the classification (ClinVar ID: VCV000055988 /PMID: 9718329 /3billion dataset). Therefore, this variant is classified as Likely pathogenic according to the recommendation of ACMG/AMP guideline.

Blueprint Genetics
Classification: Pathogenic for SLC26A3-related disorders. Last evaluated: 2024-09-18. Review status: criteria provided, single submitter. Criteria: ACMG Guidelines, 2015. Collection method: clinical testing. Allele origin: germline. Affected: yes. Observed: 5 variant alleles.

Fulgent Genetics
Classification: Pathogenic for Congenital secretory diarrhea, chloride type. Last evaluated: 2024-04-15. Review status: criteria provided, single submitter. Criteria: ACMG Guidelines, 2015. Collection method: clinical testing. Allele origin: germline.

Institute of Medical Genetics and Applied Genomics, University Hospital Tübingen
Classification: Pathogenic. Last evaluated: 2021-09-15. Review status: criteria provided, single submitter. Criteria: ACMG Guidelines, 2015. Collection method: clinical testing. Allele origin: germline. Inheritance: Autosomal recessive inheritance. Affected: yes.

Centre for Mendelian Genomics, University Medical Centre Ljubljana
Classification: Pathogenic for Congenital secretory diarrhea, chloride type. Last evaluated: 2020-03-18. Review status: criteria provided, single submitter. Criteria: ACMG Guidelines, 2015. Collection method: clinical testing. Allele origin: unknown. Affected: yes.
Comment: This variant was classified as: Pathogenic. The following ACMG criteria were applied in classifying this variant: PS3,PS4,PM2,PM3,PM4. This variant was detected in homozygous state.

Mendelics
Classification: Pathogenic for Congenital secretory diarrhea, chloride type. Last evaluated: 2019-05-28. Review status: criteria provided, single submitter. Criteria: Mendelics Assertion Criteria 2017. Collection method: clinical testing. Allele origin: unknown.

OMIM
Classification: Pathogenic for DIARRHEA 1, SECRETORY CHLORIDE, CONGENITAL. Last evaluated: 2008-03-28. Review status: no assertion criteria provided. Collection method: literature only. Allele origin: germline. Not counted in ClinVar's aggregate classification.

Juha Muilu Group; Institute for Molecular Medicine Finland (FIMM)
Classification: Likely pathogenic for Congenital secretory diarrhea, chloride type. Review status: no assertion criteria provided. Collection method: not provided. Allele origin: unknown. Not counted in ClinVar's aggregate classification.
Comment: FinDis database variant: This variant was not found or characterized by our laboratory, data were collected from public sources: see reference
ClinVar note: Converted during submission from probable-pathogenic to Likely pathogenic.

Literature cited by the submitters: PubMed 9718329 (cited by 3 submitters); PubMed 18216024 (cited by Labcorp Genetics (formerly Invitae), Labcorp and OMIM); PubMed 21332001 (cited by Labcorp Genetics (formerly Invitae), Labcorp); PubMed 28644346 (cited by Labcorp Genetics (formerly Invitae), Labcorp); PubMed 12411484 (cited by Labcorp Genetics (formerly Invitae), Labcorp).